The following is an entry in ClinVar:

NM_000642.3(AGL):c.3075_3076del (p.Gln1025fs)

Gene: AGL (amylo-alpha-1,6-glucosidase and 4-alpha-glucanotransferase; plus strand). Cytogenetic location: 1p21.2.
Variant type: Deletion.
Coding change: c.3075_3076del on transcript NM_000642.3 (MANE Select); coding-DNA positions 3075 to 3076, 2 bases deleted (GA; older notation c.3075_3076delGA).
Protein change: p.Gln1025fs; shifts the reading frame from glutamine 1025.
Molecular consequence: frameshift variant.
Genome position (GRCh38, 1-based): chr1:99,891,731-99,891,732, GA deleted; deleting any 2 consecutive bases within chr1:99,891,730-99,891,732 gives the same sequence; the c. name uses the placement nearest the transcript's 3' end. VCF-style (leftmost placement, unchanged base first): chr1-99891729-CAG-C. GRCh37 (hg19) VCF-style: chr1-100357285-CAG-C.
Other names: c.3075_3076del, p.Gln1025fs (NM_000028.3, NM_000643.3, NM_000644.3 and 1 more transcripts); c.3027_3028del, p.Gln1009fs (NM_000646.3); c.3054_3055del, p.Gln1018fs (NM_001425326.1); c.2874_2875del, p.Gln958fs (NM_001425327.1); c.2871_2872del, p.Gln957fs (NM_001425328.1); c.2736_2737del, p.Gln912fs (NM_001425329.1); c.2697_2698del, p.Gln899fs (NM_001425332.1); short protein forms Q1009fs, Q912fs, Q899fs, Q958fs, Q957fs, Q1018fs, Q1025fs.
Identifiers: ClinVar variation 4717990 (VCV004717990.1).

ClinVar aggregate classification (germline): Pathogenic (1 of 4 stars; one submission).

Conditions:
Glycogen storage disease type III (GSD3). Also called: FORBES DISEASE; Cori disease. Identifiers: Orphanet 366, MedGen C0017922, MONDO:0009291, OMIM 232400.

Submission:

Labcorp Genetics (formerly Invitae), Labcorp
Classification: Pathogenic for Glycogen storage disease type III. Last evaluated: 2025-04-26. Review status: criteria provided, single submitter. Criteria: Invitae Variant Classification Sherloc (09022015). Collection method: clinical testing. Allele origin: germline.
Comment: This sequence change creates a premature translational stop signal (p.Gln1025Hisfs*44) in the AGL gene. It is expected to result in an absent or disrupted protein product. Loss-of-function variants in AGL are known to be pathogenic (PMID: 19299494). This variant is not present in population databases (gnomAD no frequency). This variant has not been reported in the literature in individuals affected with AGL-related conditions. For these reasons, this variant has been classified as Pathogenic.

Literature cited by the submitters: PubMed 19299494.